The following is an entry in ClinVar:

ClinVar aggregate classification (germline): Pathogenic/Likely pathogenic. Review status: criteria provided, multiple submitters, no conflicts (2 of 4 stars). 6 submissions from 6 submitters: Pathogenic (4); Likely pathogenic (2). Last evaluated 2023-12-20.

Conditions:
COL6A3-related disorder. Also called: COL6A3-related condition; COL6A3-related disorders.
Bethlem myopathy 1A. Also called: MYOPATHY, BENIGN CONGENITAL, WITH CONTRACTURES; Bethlem myopathy 1; Bethlem Muscular Dystrophy. Identifiers: Orphanet 610, MedGen CN029274, MONDO:0024530, OMIM 158810.
Ullrich congenital muscular dystrophy 1A. Also called: Ullrich congenital muscular dystrophy 1; Intermediate COL6-RD. Identifiers: Orphanet 75840, MedGen C0410179, MONDO:0009681, OMIM 254090.
Inborn genetic diseases. Identifiers: MedGen C0950123, MeSH D030342.

Submissions (6):

GeneDx
Classification: Pathogenic. Last evaluated: 2023-12-20. Review status: criteria provided, single submitter. Criteria: GeneDx Variant Classification Process June 2021. Collection method: clinical testing. Allele origin: germline. Affected: yes.
Comment: Observed in the heterozygous state in one patient with Bethlem myopathy in published literature; however, no further phenotypic information was provided (PMID: 28688748); Canonical splice site variant predicted to result in an in-frame loss of the adjacent exon in a gene for which loss of function is a known mechanism of disease; Not observed at significant frequency in large population cohorts (gnomAD); Deletions involving coding exons of this gene are a known mechanism of disease (HGMD); This variant is associated with the following publications: (PMID: 30564623, 28688748, Farkosh2021[Case_Report])

Labcorp Genetics (formerly Invitae), Labcorp
Classification: Pathogenic for Bethlem myopathy 1A. Last evaluated: 2023-09-21. Review status: criteria provided, single submitter. Criteria: Invitae Variant Classification Sherloc (09022015). Collection method: clinical testing. Allele origin: germline.
Comment: For these reasons, this variant has been classified as Pathogenic. Algorithms developed to predict the effect of sequence changes on RNA splicing suggest that this variant may disrupt the consensus splice site. ClinVar contains an entry for this variant (Variation ID: 285748). Disruption of this splice site has been observed in individuals with Bethlem myopathy (PMID: 28688748; Invitae). This variant is not present in population databases (gnomAD no frequency). This sequence change affects a donor splice site in intron 19 of the COL6A3 gene. It is expected to disrupt RNA splicing. Variants that disrupt the donor or acceptor splice site typically lead to a loss of protein function (PMID: 16199547), and loss-of-function variants in COL6A3 are known to be disease-causing for autosomal recessive COL6A3-related conditions (PMID: 21280092, 20976770). However, certain variants affecting donor or acceptor splice sites in the triple helical domain of COL6A3 are expected to result in in-frame exon skipping and have been reported to cause autosomal dominant COL6A3-related conditions (PMID: 18366090).

Blueprint Genetics
Classification: Likely pathogenic for COL6A3-related disorders. Last evaluated: 2021-05-17. Review status: criteria provided, single submitter. Criteria: ACMG Guidelines, 2015. Collection method: clinical testing. Allele origin: germline. Affected: yes. Observed: 2 variant alleles.

Ambry Genetics
Classification: Likely pathogenic for Inborn genetic diseases. Last evaluated: 2021-02-10. Review status: criteria provided, single submitter. Criteria: Ambry Variant Classification Scheme 2023. Collection method: clinical testing. Allele origin: germline.
Comment: The c.6354+1G>A intronic variant results from a G to A substitution one nucleotide after exon 19 (coding exon 18) of the COL6A3 gene. Alterations that disrupt the canonical splice site are expected to result in aberrant splicing. The resulting transcript is predicted to be in-frame and is not expected to trigger nonsense-mediated mRNA decay; however, direct evidence is unavailable. The exact functional effect of the missing amino acids is unknown; however, the impacted region is critical for protein function (Ambry internal data). Based on the supporting evidence, this variant is expected to be causative of autosomal dominant muscular dystrophy; however, its clinical significance for autosomal recessive disease is unclear. Based on data from the Genome Aggregation Database (gnomAD), the COL6A3 c.6354+1G>A alteration was not observed, with coverage at this position. In a cohort of patients with congenital muscular dystrophy, one individual was reported to be heteroyzgous for this alteration (Sframeli, 2017). In addition, this alteration segregated with autosomal dominant disease in one family (Ambry internal data). This nucleotide position is highly conserved in available vertebrate species. The c.6354+1G>A alteration is located within the triple-helical domain of the collagen alpha-3(VI) chain and is predicted to impact a number of highly conserved glycine residues in the Gly-X-Y motif that make up this domain (Ramshaw, 1998). In silico splice site analysis predicts that this alteration will weaken the native splice donor site. Based on the available evidence, this alteration is classified as likely pathogenic.

Revvity Omics, Revvity
Classification: Pathogenic. Last evaluated: 2020-12-19. Review status: criteria provided, single submitter. Criteria: ACMG Guidelines, 2015. Collection method: clinical testing. Allele origin: germline.

Eurofins Ntd Llc (ga)
Classification: Pathogenic. Last evaluated: 2018-01-08. Review status: criteria provided, single submitter. Criteria: EGL Classification Definitions 2015. Collection method: clinical testing. Allele origin: germline. Observed: 7 variant alleles, 7 heterozygotes.

Literature cited by the submitters: PubMed 28688748 (cited by Labcorp Genetics (formerly Invitae), Labcorp and Ambry Genetics); PubMed 16199547 (cited by Labcorp Genetics (formerly Invitae), Labcorp); PubMed 21280092 (cited by Labcorp Genetics (formerly Invitae), Labcorp); PubMed 20976770 (cited by Labcorp Genetics (formerly Invitae), Labcorp); PubMed 18366090 (cited by Labcorp Genetics (formerly Invitae), Labcorp); PubMed 9724608 (cited by Ambry Genetics).

NM_004369.4(COL6A3):c.6354+1G>A

Gene: COL6A3 (collagen type VI alpha 3 chain; minus strand). Cytogenetic location: 2q37.3.
Variant type: single nucleotide variant.
Coding change: c.6354+1G>A on transcript NM_004369.4 (MANE Select); the canonical splice donor site of the intron after coding-DNA position 6354, G replaced by A.
Molecular consequence: splice donor variant.
Genome position (GRCh38, 1-based): chr2:237,359,205, C>T on the plus strand (G>A on the coding strand, the complement: COL6A3 is on the minus strand). VCF-style: chr2-237359205-C-T. GRCh37 (hg19) VCF-style: chr2-238267848-C-T.
Other names: c.4533+1G>A (NM_057166.5); c.5736+1G>A (NM_057167.4).
Identifiers: ClinVar variation 285748 (VCV000285748.27), dbSNP rs886042883, ClinGen allele CA10605229.